The following is an entry in ClinVar:

NM_001201543.2(FAM161A):c.1057A>G (p.Asn353Asp)

Gene: FAM161A (FAM161 centrosomal protein A; minus strand). Cytogenetic location: 2p15.
Variant type: single nucleotide variant.
Coding change: c.1057A>G on transcript NM_001201543.2 (MANE Select); coding-DNA position 1057, A replaced by G.
Protein change: p.Asn353Asp; replaces asparagine 353 with aspartic acid.
Molecular consequence: missense variant. On other transcripts: non-coding transcript variant (1).
Genome position (GRCh38, 1-based): chr2:61,839,947, T>C on the plus strand (A>G on the coding strand, the complement: FAM161A is on the minus strand). VCF-style: chr2-61839947-T-C. GRCh37 (hg19) VCF-style: chr2-62067082-T-C.
Other names: c.1057A>G, p.Asn353Asp (NM_032180.3); c.1057A>G (NM_001201543.1); short protein forms N353D.
Identifiers: ClinVar variation 1487810 (VCV001487810.4), dbSNP rs946461493, ClinGen allele CA48477542.

ClinVar aggregate classification (germline): Uncertain significance. Review status: criteria provided, multiple submitters, no conflicts (2 of 4 stars). 2 submissions from 2 submitters: Uncertain significance (2). Last evaluated 2023-05-26.

Conditions:
Inborn genetic diseases. Identifiers: MedGen C0950123, MeSH D030342.

Allele frequency attached by ClinVar (database versions not stated): gnomAD exomes below 0.00001; TOPMed below 0.00001; gnomAD 0.00001.
gnomAD v4.1: 3 of 1,614,082 alleles (0.00019%); highest among the groups gnomAD compares: African/African-American, 0.004%; no homozygotes.

Submissions (2):

Ambry Genetics
Classification: Uncertain significance for Inborn genetic diseases. Last evaluated: 2023-05-26. Review status: criteria provided, single submitter. Criteria: Ambry Variant Classification Scheme 2023. Collection method: clinical testing. Allele origin: germline.

Labcorp Genetics (formerly Invitae), Labcorp
Classification: Uncertain significance. Last evaluated: 2021-12-13. Review status: criteria provided, single submitter. Criteria: Invitae Variant Classification Sherloc (09022015). Collection method: clinical testing. Allele origin: germline.
Comment: This sequence change replaces asparagine, which is neutral and polar, with aspartic acid, which is acidic and polar, at codon 353 of the FAM161A protein (p.Asn353Asp). This variant is not present in population databases (gnomAD no frequency). This variant has not been reported in the literature in individuals affected with FAM161A-related conditions. Algorithms developed to predict the effect of missense changes on protein structure and function (SIFT, PolyPhen-2, Align-GVGD) all suggest that this variant is likely to be tolerated. In summary, the available evidence is currently insufficient to determine the role of this variant in disease. Therefore, it has been classified as a Variant of Uncertain Significance.